The following is an entry in ClinVar:

NM_001114753.3(ENG):c.1175_1176del (p.Pro392fs)

Genes: ENG (endoglin; minus strand), LOC102723566 (uncharacterized LOC102723566; plus strand). Cytogenetic location: 9q34.11.
Variant type: Deletion.
Coding change: c.1175_1176del on transcript NM_001114753.3 (MANE Select); coding-DNA positions 1175 to 1176, 2 bases deleted (CC; older notation c.1175_1176delCC).
Protein change: p.Pro392fs; shifts the reading frame from proline 392.
Molecular consequence: frameshift variant.
Genome position (GRCh38, 1-based): chr9:127,819,996-127,819,997, GG deleted on the plus strand (CC on the coding strand, the reverse complement: ENG is on the minus strand); deleting any 2 consecutive bases within chr9:127,819,996-127,819,999 gives the same sequence; the c. name uses the placement nearest the transcript's 3' end. VCF-style (leftmost placement, unchanged base first): chr9-127819995-TGG-T. GRCh37 (hg19) VCF-style: chr9-130582274-TGG-T.
Other names: c.1175_1176del, p.Pro392fs (NM_000118.4); c.629_630del, p.Pro210fs (NM_001278138.2); short protein forms P210fs, P392fs.
Identifiers: ClinVar variation 2817835 (VCV002817835.3), dbSNP rs2539064352, ClinGen allele CA2739265073.

ClinVar aggregate classification (germline): Pathogenic (1 of 4 stars; one submission).

Conditions:
Hereditary hemorrhagic telangiectasia (HHT). Also called: ORW DISEASE; Osler Weber Rendu syndrome; OSLER-RENDU-WEBER DISEASE; Osler hemorrhagic telangiectasia syndrome. Identifiers: Orphanet 774, MedGen C0039445, MONDO:0019180. Disease mechanism: loss of function.

Submission:

Labcorp Genetics (formerly Invitae), Labcorp
Classification: Pathogenic for Hereditary hemorrhagic telangiectasia. Last evaluated: 2022-12-02. Review status: criteria provided, single submitter. Criteria: Invitae Variant Classification Sherloc (09022015). Collection method: clinical testing. Allele origin: germline.
Comment: For these reasons, this variant has been classified as Pathogenic. This variant has not been reported in the literature in individuals affected with ENG-related conditions. This variant is not present in population databases (gnomAD no frequency). This sequence change creates a premature translational stop signal (p.Pro392Glnfs*3) in the ENG gene. It is expected to result in an absent or disrupted protein product. Loss-of-function variants in ENG are known to be pathogenic (PMID: 15879500).

Literature cited by the submitters: PubMed 15879500.